The following is an entry in ClinVar:

ClinVar aggregate classification (germline): Conflicting classifications of pathogenicity. Review status: criteria provided, conflicting classifications (1 of 4 stars). 3 submissions from 3 submitters: Uncertain significance (1); Likely benign (2). Last evaluated 2026-01-20.

Conditions:
Inborn genetic diseases. Identifiers: MedGen C0950123, MeSH D030342.
CNOT1-related disorder. Also called: CNOT1-related condition.

Allele frequency attached by ClinVar (database versions not stated): ExAC 0.00006; gnomAD 0.00020; ESP Exome Variant Server 0.00023; TOPMed 0.00026; 1000 Genomes Project 30x 0.00078; 1000 Genomes Project 0.00080.

Submissions (3):

PreventionGenetics, part of Exact Sciences
Classification: Likely benign for CNOT1-related condition. Last evaluated: 2026-01-20. Review status: criteria provided, single submitter. Criteria: ACMG Guidelines, 2015. Collection method: clinical testing. Allele origin: germline.
Comment: This variant is classified as likely benign based on ACMG/AMP sequence variant interpretation guidelines (Richards et al. 2015 PMID: 25741868, with internal and published modifications).

Ambry Genetics
Classification: Likely benign for Inborn genetic diseases. Last evaluated: 2025-08-05. Review status: criteria provided, single submitter. Criteria: Ambry Variant Classification Scheme 2023. Collection method: clinical testing. Allele origin: germline.

Labcorp Genetics (formerly Invitae), Labcorp
Classification: Uncertain significance. Last evaluated: 2024-08-19. Review status: criteria provided, single submitter. Criteria: Invitae Variant Classification Sherloc (09022015). Collection method: clinical testing. Allele origin: germline.
Comment: This sequence change replaces alanine, which is neutral and non-polar, with glycine, which is neutral and non-polar, at codon 1620 of the CNOT1 protein (p.Ala1620Gly). This variant is present in population databases (rs147682800, gnomAD 0.07%), and has an allele count higher than expected for a pathogenic variant. This variant has not been reported in the literature in individuals affected with CNOT1-related conditions. ClinVar contains an entry for this variant (Variation ID: 2077579). An algorithm developed to predict the effect of missense changes on protein structure and function (PolyPhen-2) suggests that this variant is likely to be tolerated. In summary, the available evidence is currently insufficient to determine the role of this variant in disease. Therefore, it has been classified as a Variant of Uncertain Significance.

NM_016284.5(CNOT1):c.4874C>G (p.Ala1625Gly)

Gene: CNOT1 (CCR4-NOT transcription complex subunit 1; minus strand). Cytogenetic location: 16q21.
Variant type: single nucleotide variant.
Coding change: c.4874C>G on transcript NM_016284.5 (MANE Select); coding-DNA position 4874, C replaced by G.
Protein change: p.Ala1625Gly; replaces alanine 1625 with glycine.
Molecular consequence: missense variant. On other transcripts: non-coding transcript variant (1).
Genome position (GRCh38, 1-based): chr16:58,539,886, G>C on the plus strand (C>G on the coding strand, the complement: CNOT1 is on the minus strand). VCF-style: chr16-58539886-G-C. GRCh37 (hg19) VCF-style: chr16-58573790-G-C.
Other names: c.4874C>G (NM_016284.3, NM_016284.4); c.4859C>G, p.Ala1620Gly (NM_001265612.2); short protein forms A1620G, A1625G.
Identifiers: ClinVar variation 2077579 (VCV002077579.6), dbSNP rs147682800, ClinGen allele CA8088989.